The following is an entry in ClinVar:

NM_006517.5(SLC16A2):c.225C>T (p.His75=)

Gene: SLC16A2 (solute carrier family 16 member 2; plus strand). Cytogenetic location: Xq13.2.
Variant type: single nucleotide variant.
Coding change: c.225C>T on transcript NM_006517.5 (MANE Select); coding-DNA position 225, C replaced by T.
Protein change: p.His75=; no amino-acid change (histidine 75 retained).
Molecular consequence: synonymous variant.
Genome position (GRCh38, 1-based): chrX:74,421,862, C>T. VCF-style: chrX-74421862-C-T. GRCh37 (hg19) VCF-style: chrX-73641697-C-T.
Identifiers: ClinVar variation 509599 (VCV000509599.1), dbSNP rs773394262, ClinGen allele CA10454385.
Genomic context (GRCh38, chrX:74,421,862, plus strand): 5'-CCAGCCCCTACCGGACCCCGCACCCCTGCCGGAGCTGGAGTTCGAGTCCGAGCGGGTGCA[C>T]GAACCCGAGCCCACGCCTACGGTAGAGACCCGCGGCACCGCGCGCGGCTTCCAGCCTCCC-3'
Protein context (NP_006508.2, residues 65-85): PELEFESERV[His75=]EPEPTPTVET

ClinVar aggregate classification (germline): Likely benign (1 of 4 stars; one submission).

Allele frequency attached by ClinVar (database versions not stated): ExAC below 0.00001; gnomAD exomes 0.00001.
gnomAD v4.1: 1 of 1,207,459 alleles (0.000083%); highest among the groups gnomAD compares: East Asian, 0.003%; no homozygotes.

Submission:

GeneDx
Classification: Likely benign. Last evaluated: 2017-05-15. Review status: criteria provided, single submitter. Criteria: GeneDx Variant Classification (06012015). Collection method: clinical testing. Allele origin: germline. Affected: yes.
Comment: This variant is considered likely benign or benign based on one or more of the following criteria: it is a conservative change, it occurs at a poorly conserved position in the protein, it is predicted to be benign by multiple in silico algorithms, and/or has population frequency not consistent with disease.